The following is an entry in ClinVar:

ClinVar aggregate classification (germline): Uncertain significance. Review status: criteria provided, multiple submitters, no conflicts (2 of 4 stars). 2 submissions from 2 submitters: Uncertain significance (2). Last evaluated 2025-02-27.

Conditions:
Inborn genetic diseases. Identifiers: MedGen C0950123, MeSH D030342.
Menkes kinky-hair syndrome (MNK). Also called: Menkes Disease; Copper transport disease; Classic Menkes Disease. Identifiers: Orphanet 565, MedGen C0022716, MONDO:0010651, OMIM 309400.
Cutis laxa, X-linked (OHS). Also called: EDS IX; Occipital horn syndrome. Identifiers: Orphanet 198, MedGen C0268353, MONDO:0010572, OMIM 304150.
X-linked distal spinal muscular atrophy type 3. Also called: ATP7A-Related Distal Motor Neuropathy; NEURONOPATHY, DISTAL HEREDITARY MOTOR, X-LINKED; NEUROPATHY, DISTAL HEREDITARY MOTOR, X-LINKED; SPINAL MUSCULAR ATROPHY, DISTAL, X-LINKED RECESSIVE. Identifiers: Orphanet 139557, MedGen C1845359, MONDO:0010338, OMIM 300489.

Allele frequency attached by ClinVar (database versions not stated): gnomAD 0.00001; gnomAD exomes 0.00002; TOPMed 0.00002.
gnomAD v4.1: 22 of 1,207,832 alleles (0.0018%); highest among the groups gnomAD compares: Non-Finnish European, 0.0023%; no homozygotes.

Submissions (2):

Labcorp Genetics (formerly Invitae), Labcorp
Classification: Uncertain significance for X-linked distal spinal muscular atrophy type 3; Cutis laxa, X-linked; Menkes kinky-hair syndrome. Last evaluated: 2025-02-27. Review status: criteria provided, single submitter. Criteria: Invitae Variant Classification Sherloc (09022015). Collection method: clinical testing. Allele origin: germline.
Comment: This sequence change replaces glycine, which is neutral and non-polar, with arginine, which is basic and polar, at codon 572 of the ATP7A protein (p.Gly572Arg). This variant is not present in population databases (gnomAD no frequency). This variant has not been reported in the literature in individuals affected with ATP7A-related conditions. ClinVar contains an entry for this variant (Variation ID: 970152). Invitae Evidence Modeling of protein sequence and biophysical properties (such as structural, functional, and spatial information, amino acid conservation, physicochemical variation, residue mobility, and thermodynamic stability) has been performed for this missense variant. However, the output from this modeling did not meet the statistical confidence thresholds required to predict the impact of this variant on ATP7A protein function. In summary, the available evidence is currently insufficient to determine the role of this variant in disease. Therefore, it has been classified as a Variant of Uncertain Significance.

Ambry Genetics
Classification: Uncertain significance for Inborn genetic diseases. Last evaluated: 2023-10-16. Review status: criteria provided, single submitter. Criteria: Ambry Variant Classification Scheme 2023. Collection method: clinical testing. Allele origin: germline.

NM_000052.7(ATP7A):c.1714G>A (p.Gly572Arg)

Gene: ATP7A (ATPase copper transporting alpha; plus strand). Cytogenetic location: Xq21.1.
Variant type: single nucleotide variant.
Coding change: c.1714G>A on transcript NM_000052.7 (MANE Select); coding-DNA position 1714, G replaced by A.
Protein change: p.Gly572Arg; replaces glycine 572 with arginine.
Molecular consequence: missense variant.
Genome position (GRCh38, 1-based): chrX:78,009,108, G>A. VCF-style: chrX-78009108-G-A. GRCh37 (hg19) VCF-style: chrX-77264605-G-A.
Other names: c.1714G>A, p.Gly572Arg (NM_001282224.2); c.1714G>A (NM_000052.4); short protein forms G572R.
Identifiers: ClinVar variation 970152 (VCV000970152.7), dbSNP rs1569549834, ClinGen allele CA413596762.